The following is an entry in ClinVar:

ClinVar aggregate classification (germline): Conflicting classifications of pathogenicity. Review status: criteria provided, conflicting classifications (1 of 4 stars). 2 submissions from 2 submitters: Uncertain significance (1); Likely benign (1). Last evaluated 2025-05-04.

Conditions:
Inborn genetic diseases. Identifiers: MedGen C0950123, MeSH D030342.
Dextro-looped transposition of the great arteries. Also called: Dextrotransposition of the great arteries. Identifiers: Orphanet 860, MedGen C3531771, MONDO:0019443, OMIM 608808, HP:0031348.

Allele frequency attached by ClinVar (database versions not stated): ExAC 0.00001; gnomAD 0.00001; TOPMed 0.00001; gnomAD exomes 0.00003.
gnomAD v4.1: 40 of 1,614,078 alleles (0.0025%); highest among the groups gnomAD compares: Middle Eastern, 0.016%; no homozygotes.

Submissions (2):

Labcorp Genetics (formerly Invitae), Labcorp
Classification: Uncertain significance for Dextro-looped transposition of the great arteries. Last evaluated: 2025-05-04. Review status: criteria provided, single submitter. Criteria: Invitae Variant Classification Sherloc (09022015). Collection method: clinical testing. Allele origin: germline.
Comment: This sequence change replaces isoleucine, which is neutral and non-polar, with valine, which is neutral and non-polar, at codon 2206 of the MED13L protein (p.Ile2206Val). This variant is present in population databases (rs781079171, gnomAD 0.003%). This variant has not been reported in the literature in individuals affected with MED13L-related conditions. ClinVar contains an entry for this variant (Variation ID: 3124933). Invitae Evidence Modeling of protein sequence and biophysical properties (such as structural, functional, and spatial information, amino acid conservation, physicochemical variation, residue mobility, and thermodynamic stability) indicates that this missense variant is not expected to disrupt MED13L protein function with a negative predictive value of 80%. In summary, the available evidence is currently insufficient to determine the role of this variant in disease. Therefore, it has been classified as a Variant of Uncertain Significance.

Ambry Genetics
Classification: Likely benign for Inborn genetic diseases. Last evaluated: 2022-03-11. Review status: criteria provided, single submitter. Criteria: Ambry Variant Classification Scheme 2023. Collection method: clinical testing. Allele origin: germline.

NM_015335.5(MED13L):c.6616A>G (p.Ile2206Val)

Gene: MED13L (mediator complex subunit 13L; minus strand). Cytogenetic location: 12q24.21.
Variant type: single nucleotide variant.
Coding change: c.6616A>G on transcript NM_015335.5 (MANE Select); coding-DNA position 6616, A replaced by G.
Protein change: p.Ile2206Val; replaces isoleucine 2206 with valine.
Molecular consequence: missense variant.
Genome position (GRCh38, 1-based): chr12:115,961,283, T>C on the plus strand (A>G on the coding strand, the complement: MED13L is on the minus strand). VCF-style: chr12-115961283-T-C. GRCh37 (hg19) VCF-style: chr12-116399088-T-C.
Other names: short protein forms I2206V.
Identifiers: ClinVar variation 3124933 (VCV003124933.2), dbSNP rs781079171, ClinGen allele CA6810332.
Genomic context (GRCh38, chr12:115,961,283, plus strand): 5'-CAGGGAGAAGGAACTGAGCCAGAGAGAACAAGTGCTTTTCCAATTAAAGTATATTCATGA[T>C]GGCATTGTACAACTGAGTGAGCACCACAAAGTGGACGGGAAGGCAGGAAGTACGGTCCTG-3'
Protein context (NP_056150.1, residues 2196-2210): FVVLTQLYNA[Ile2206Val]MNIL